The following is an entry in ClinVar:

NM_004863.4(SPTLC2):c.1176+4A>G

Gene: SPTLC2 (serine palmitoyltransferase long chain base subunit 2; minus strand). Cytogenetic location: 14q24.3.
Variant type: single nucleotide variant.
Coding change: c.1176+4A>G on transcript NM_004863.4 (MANE Select); 4 bases into the intron after coding-DNA position 1176, A replaced by G.
Molecular consequence: intron variant.
Genome position (GRCh38, 1-based): chr14:77,555,296, T>C on the plus strand (A>G on the coding strand, the complement: SPTLC2 is on the minus strand). VCF-style: chr14-77555296-T-C. GRCh37 (hg19) VCF-style: chr14-78021639-T-C.
Identifiers: ClinVar variation 1052699 (VCV001052699.7), dbSNP rs894410400, ClinGen allele CA263846505.

ClinVar aggregate classification (germline): Uncertain significance (1 of 4 stars; one submission).

Conditions:
Neuropathy, hereditary sensory and autonomic, type 1C. Also called: HSAN IC; HSN IC. Identifiers: Orphanet 36386, MedGen C3150896, MONDO:0013337, OMIM 613640.

gnomAD v4.1: 1 of 1,614,066 alleles (0.000062%); highest among the groups gnomAD compares: Non-Finnish European, 0.000085%; no homozygotes.

Submission:

Labcorp Genetics (formerly Invitae), Labcorp
Classification: Uncertain significance for Neuropathy, hereditary sensory and autonomic, type 1C. Last evaluated: 2020-12-18. Review status: criteria provided, single submitter. Criteria: Invitae Variant Classification Sherloc (09022015). Collection method: clinical testing. Allele origin: germline.
Comment: In summary, the available evidence is currently insufficient to determine the role of this variant in disease. Therefore, it has been classified as a Variant of Uncertain Significance. Nucleotide substitutions within the consensus splice site are a relatively common cause of aberrant splicing (PMID: 17576681, 9536098). Algorithms developed to predict the effect of sequence changes on RNA splicing suggest that this variant is not likely to affect RNA splicing, but this prediction has not been confirmed by published transcriptional studies. This variant has not been reported in the literature in individuals with SPTLC2-related conditions. This variant is not present in population databases (ExAC no frequency). This sequence change falls in intron 8 of the SPTLC2 gene. It does not directly change the encoded amino acid sequence of the SPTLC2 protein, but it affects a nucleotide within the consensus splice site of the intron.

Literature cited by the submitters: PubMed 17576681; PubMed 9536098.